The following is an entry in ClinVar:

ClinVar aggregate classification (germline): Uncertain significance. Review status: criteria provided, multiple submitters, no conflicts (2 of 4 stars). 3 submissions from 3 submitters: Uncertain significance (3). Last evaluated 2024-11-05.

Conditions:
Methylmalonic aciduria and homocystinuria type cblF. Also called: METHYLMALONIC ACIDEMIA AND HOMOCYSTINURIA, cblF TYPE; METHYLMALONIC ACIDURIA DUE TO VITAMIN B12-RELEASE DEFECT; VITAMIN B12 LYSOSOMAL RELEASE DEFECT; VITAMIN B12 STORAGE DISEASE; COBALAMIN F DISEASE; COBALAMIN, DEFECT IN LYSOSOMAL RELEASE OF. Identifiers: Orphanet 79284, MedGen C1848578, MONDO:0010183, OMIM 277380.

Allele frequency attached by ClinVar (database versions not stated): ExAC 0.00006; gnomAD exomes 0.00006 and 0.00033; 1000 Genomes Project 0.00020; ESP Exome Variant Server 0.00008; TOPMed 0.00011; 1000 Genomes Project 30x 0.00016.
gnomAD v4.1: 492 of 1,613,190 alleles (0.03%); highest among the groups gnomAD compares: Non-Finnish European, 0.04%; 1 homozygote.

Submissions (3):

Labcorp Genetics (formerly Invitae), Labcorp
Classification: Uncertain significance for Methylmalonic aciduria and homocystinuria type cblF. Last evaluated: 2024-11-05. Review status: criteria provided, single submitter. Criteria: Invitae Variant Classification Sherloc (09022015). Collection method: clinical testing. Allele origin: germline.
Comment: This sequence change replaces threonine, which is neutral and polar, with alanine, which is neutral and non-polar, at codon 480 of the LMBRD1 protein (p.Thr480Ala). This variant is present in population databases (rs138023744, gnomAD 0.01%). This variant has not been reported in the literature in individuals affected with LMBRD1-related conditions. ClinVar contains an entry for this variant (Variation ID: 441041). Invitae Evidence Modeling of protein sequence and biophysical properties (such as structural, functional, and spatial information, amino acid conservation, physicochemical variation, residue mobility, and thermodynamic stability) indicates that this missense variant is not expected to disrupt LMBRD1 protein function with a negative predictive value of 80%. In summary, the available evidence is currently insufficient to determine the role of this variant in disease. Therefore, it has been classified as a Variant of Uncertain Significance.

Revvity Omics, Revvity
Classification: Uncertain significance for Methylmalonic aciduria and homocystinuria type cblF. Last evaluated: 2020-10-20. Review status: criteria provided, single submitter. Criteria: ACMG Guidelines, 2015. Collection method: clinical testing. Allele origin: germline.

Illumina Laboratory Services, Illumina
Classification: Uncertain significance for Methylmalonic aciduria and homocystinuria type cblF. Last evaluated: 2017-04-28. Review status: criteria provided, single submitter. Criteria: ICSL Variant Classification Criteria 13 December 2019. Collection method: clinical testing. Allele origin: germline.
Comment: This variant was observed as part of a predisposition screen in an ostensibly healthy population. A literature search was performed for the gene, cDNA change, and amino acid change (where applicable). Publications were found based on this search. However, the evidence from the literature, in combination with allele frequency data from public databases where available, was not sufficient to rule this variant in or out of causing disease. Therefore, this variant is classified as a variant of unknown significance.

Literature cited by the submitters: PubMed 25047945 (cited by Illumina Laboratory Services, Illumina).

NM_018368.4(LMBRD1):c.1438A>G (p.Thr480Ala)

Gene: LMBRD1 (LMBR1 domain containing 1; minus strand). Cytogenetic location: 6q13.
Variant type: single nucleotide variant.
Coding change: c.1438A>G on transcript NM_018368.4 (MANE Select); coding-DNA position 1438, A replaced by G.
Protein change: p.Thr480Ala; replaces threonine 480 with alanine.
Molecular consequence: missense variant.
Genome position (GRCh38, 1-based): chr6:69,676,521, T>C on the plus strand (A>G on the coding strand, the complement: LMBRD1 is on the minus strand). VCF-style: chr6-69676521-T-C. GRCh37 (hg19) VCF-style: chr6-70386413-T-C.
Other names: c.1219A>G, p.Thr407Ala (NM_001363722.2, NM_001367271.1, NM_001367272.1); short protein forms T480A, T407A.
Identifiers: ClinVar variation 441041 (VCV000441041.11), dbSNP rs138023744, ClinGen allele CA3879551.